The following is an entry in ClinVar:

ClinVar aggregate classification (germline): Likely pathogenic (1 of 4 stars; one submission).

Submission:

GeneDx
Classification: Likely pathogenic. Last evaluated: 2017-07-19. Review status: criteria provided, single submitter. Criteria: GeneDx Variant Classification (06012015). Collection method: clinical testing. Allele origin: germline. Affected: yes.
Comment: The c.5424_5434del11 variant in the LRBA gene has not been reported previously as a pathogenic variant nor as a benign variant, to our knowledge. The c.5424_5434del11 variant creates a nonsense variant with codon Proline 1809 replaced by a stop codon, denoted p.Pro1809Ter. This variant is predicted to cause loss of normal protein function either through protein truncation or nonsense-mediated mRNA decay. The c.5424_5434del11 variant is not observed in large population cohorts (Lek et al., 2016; 1000 Genomes Consortium et al., 2015; Exome Variant Server). We interpret c.5424_5434del11 as a likely pathogenic variant.

NM_001364905.1(LRBA):c.5424_5434del (p.Ala1808_Pro1809insTer)

Gene: LRBA (LPS responsive beige-like anchor protein; minus strand). Cytogenetic location: 4q31.3.
Variant type: Deletion.
Coding change: c.5424_5434del on transcript NM_001364905.1 (MANE Select); coding-DNA positions 5424 to 5434, 11 bases deleted (TCCTCTCCTTC).
Protein change: p.Ala1808_Pro1809insTer.
Molecular consequence: frameshift variant. On other transcripts: nonsense (2).
Genome position (GRCh38, 1-based): chr4:150,806,355-150,806,365, GAAGGAGAGGA deleted on the plus strand (TCCTCTCCTTC on the coding strand, the reverse complement: LRBA is on the minus strand); deleting any 11 consecutive bases within chr4:150,806,355-150,806,366 gives the same sequence; the c. name uses the placement nearest the transcript's 3' end. VCF-style (leftmost placement, unchanged base first): chr4-150806354-CGAAGGAGAGGA-C. GRCh37 (hg19) VCF-style: chr4-151727506-CGAAGGAGAGGA-C.
Other names: c.5424_5434delTCCTCTCCTTC (NM_006726.4); c.5423_5433delCTCCTCTCCTT, p.Pro1809Terfs (NM_001199282.3, NM_006726.5); c.5424_5434del, p.Ala1808_Pro1809insTer (NM_001367550.1).
Identifiers: ClinVar variation 450665 (VCV000450665.2), dbSNP rs1553965868, ClinGen allele CA658657403.